The following is an entry in ClinVar:

NM_001270.4(CHD1):c.205T>C (p.Ser69Pro)

Genes: CHD1 (chromodomain helicase DNA binding protein 1; minus strand), LOC126807465 (P300/CBP strongly-dependent group 1 enhancer GRCh37_chr5:98240158-98241357; plus strand). Cytogenetic location: 5q21.1.
Variant type: single nucleotide variant.
Coding change: c.205T>C on transcript NM_001270.4 (MANE Select); coding-DNA position 205, T replaced by C.
Protein change: p.Ser69Pro; replaces serine 69 with proline.
Molecular consequence: missense variant. On other transcripts: non-coding transcript variant (2).
Genome position (GRCh38, 1-based): chr5:98,904,947, A>G on the plus strand (T>C on the coding strand, the complement: CHD1 is on the minus strand). VCF-style: chr5-98904947-A-G. GRCh37 (hg19) VCF-style: chr5-98240651-A-G.
Other names: c.205T>C, p.Ser69Pro (NM_001364113.3, NM_001376194.2); short protein forms S69P.
Identifiers: ClinVar variation 1027854 (VCV001027854.1), dbSNP rs753500340, ClinGen allele CA360523997.

ClinVar aggregate classification (germline): Uncertain significance (1 of 4 stars; one submission).

Conditions:
Pilarowski-Bjornsson syndrome. Also called: DEVELOPMENTAL DELAY AND SPEECH APRAXIA WITH OR WITHOUT SEIZURES. Identifiers: Orphanet 529965, MedGen C4540131, MONDO:0060568, OMIM 617682.

Submission:

Baylor Genetics
Classification: Uncertain significance for Pilarowski-Bjornsson syndrome. Last evaluated: 2020-06-10. Review status: criteria provided, single submitter. Criteria: ACMG Guidelines, 2015. Collection method: clinical testing. Allele origin: unknown. Affected: yes.
Comment: This variant was determined to be of uncertain significance according to ACMG Guidelines, 2015 [PMID:25741868].